The following is an entry in ClinVar:

NM_000256.3(MYBPC3):c.2979_2981dup (p.Leu994_Ile995insLeu)

Gene: MYBPC3 (myosin binding protein C3; minus strand). Cytogenetic location: 11p11.2.
Variant type: Duplication.
Coding change: c.2979_2981dup on transcript NM_000256.3 (MANE Select); coding-DNA positions 2979 to 2981, 3 bases duplicated (TCT; older notation c.2979_2981dupTCT).
Protein change: p.Leu994_Ile995insLeu.
Molecular consequence: inframe insertion.
Genome position (GRCh38, 1-based): chr11:47,333,935-47,333,937, AGA duplicated on the plus strand (TCT on the coding strand, the reverse complement: MYBPC3 is on the minus strand); duplicating any 3 consecutive bases within chr11:47,333,935-47,333,939 gives the same sequence; the c. name uses the placement nearest the transcript's 3' end. VCF-style (leftmost placement, unchanged base first): chr11-47333934-G-GAGA. GRCh37 (hg19) VCF-style: chr11-47355485-G-GAGA.
Identifiers: ClinVar variation 2700753 (VCV002700753.3), dbSNP rs2495742648, ClinGen allele CA2697548546.

ClinVar aggregate classification (germline): Uncertain significance (1 of 4 stars; one submission).

Conditions:
Hypertrophic cardiomyopathy. Also called: HYPERTROPHIC MYOCARDIOPATHY. Identifiers: Orphanet 217569, MedGen C0007194, MeSH D002312, MONDO:0005045, HP:0001639.

Submission:

Labcorp Genetics (formerly Invitae), Labcorp
Classification: Uncertain significance for Hypertrophic cardiomyopathy. Last evaluated: 2025-02-05. Review status: criteria provided, single submitter. Criteria: Invitae Variant Classification Sherloc (09022015). Collection method: clinical testing. Allele origin: germline.
Comment: This variant, c.2979_2981dup, results in the insertion of 1 amino acid(s) of the MYBPC3 protein (p.Leu994dup), but otherwise preserves the integrity of the reading frame. This variant is not present in population databases (gnomAD no frequency). This variant has not been reported in the literature in individuals affected with MYBPC3-related conditions. ClinVar contains an entry for this variant (Variation ID: 2700753). In summary, the available evidence is currently insufficient to determine the role of this variant in disease. Therefore, it has been classified as a Variant of Uncertain Significance.